The following is an entry in ClinVar:

ClinVar aggregate classification (germline): Uncertain significance (1 of 4 stars; one submission).

Conditions:
Hereditary cancer-predisposing syndrome. Also called: Hereditary Cancer Syndrome; Neoplastic Syndromes, Hereditary; Tumor predisposition; Hereditary neoplastic syndrome. Identifiers: Orphanet 140162, MedGen C0027672, MeSH D009386, MONDO:0015356.

Allele frequency attached by ClinVar (database versions not stated): gnomAD exomes below 0.00001.
gnomAD v4.1: 1 of 1,614,180 alleles (0.000062%); highest among the groups gnomAD compares: Non-Finnish European, 0.000085%; no homozygotes.

Submission:

Color Diagnostics, LLC DBA Color Health
Classification: Uncertain significance for Hereditary cancer-predisposing syndrome. Last evaluated: 2023-12-05. Review status: criteria provided, single submitter. Criteria: ACMG Guidelines, 2015. Collection method: clinical testing. Allele origin: germline.
Comment: This missense variant replaces arginine with glycine at codon 1227 of the APC protein. Computational prediction is inconclusive regarding the impact of this variant on protein structure and function (internally defined REVEL score threshold 0.5 < inconclusive < 0.7, PMID: 27666373). To our knowledge, functional studies have not been reported for this variant. This variant has not been reported in individuals affected with APC-related disorders in the literature. This variant has not been identified in the general population by the Genome Aggregation Database (gnomAD). The available evidence is insufficient to determine the role of this variant in disease conclusively. Therefore, this variant is classified as a Variant of Uncertain Significance.

NM_000038.6(APC):c.3679A>G (p.Arg1227Gly)

Gene: APC (APC regulator of Wnt signaling pathway; plus strand). Cytogenetic location: 5q22.2.
Variant type: single nucleotide variant.
Coding change: c.3679A>G on transcript NM_000038.6 (MANE Select); coding-DNA position 3679, A replaced by G.
Protein change: p.Arg1227Gly; replaces arginine 1227 with glycine.
Molecular consequence: missense variant.
Genome position (GRCh38, 1-based): chr5:112,839,273, A>G. VCF-style: chr5-112839273-A-G. GRCh37 (hg19) VCF-style: chr5-112174970-A-G.
Other names: c.3679A>G, p.Arg1227Gly (NM_001127510.3, NM_001354895.2); c.3625A>G, p.Arg1209Gly (NM_001127511.3); c.3733A>G, p.Arg1245Gly (NM_001354896.2); c.3709A>G, p.Arg1237Gly (NM_001354897.2); c.3604A>G, p.Arg1202Gly (NM_001354898.2); c.3595A>G, p.Arg1199Gly (NM_001354899.2); c.3556A>G, p.Arg1186Gly (NM_001354900.2); c.3502A>G, p.Arg1168Gly (NM_001354901.2); and 5 more; short protein forms R1209G, R1227G, R1136G, R1067G, R1126G, R1199G, R1202G, R1237G.
Identifiers: ClinVar variation 489443 (VCV000489443.6), dbSNP rs1554085225, ClinGen allele CA16029406.